The following is an entry in ClinVar:

ClinVar aggregate classification (germline): Uncertain significance (1 of 4 stars; one submission).

gnomAD v4.1: 4 of 1,210,730 alleles (0.00033%); highest among the groups gnomAD compares: Non-Finnish European, 0.00045%; no homozygotes.

Submission:

GeneDx
Classification: Uncertain significance. Last evaluated: 2023-11-08. Review status: criteria provided, single submitter. Criteria: GeneDx Variant Classification Process June 2021. Collection method: clinical testing. Allele origin: germline. Affected: yes.
Comment: Not observed at significant frequency in large population cohorts (gnomAD); In silico analysis supports that this missense variant has a deleterious effect on protein structure/function; Has not been previously published as pathogenic or benign to our knowledge

NM_001271696.3(ABCB7):c.1882C>G (p.Pro628Ala)

Gene: ABCB7 (ATP binding cassette subfamily B member 7; minus strand). Cytogenetic location: Xq13.3.
Variant type: single nucleotide variant.
Coding change: c.1882C>G on transcript NM_001271696.3 (MANE Select); coding-DNA position 1882, C replaced by G.
Protein change: p.Pro628Ala; replaces proline 628 with alanine.
Molecular consequence: missense variant.
Genome position (GRCh38, 1-based): chrX:75,062,381, G>C on the plus strand (C>G on the coding strand, the complement: ABCB7 is on the minus strand). VCF-style: chrX-75062381-G-C. GRCh37 (hg19) VCF-style: chrX-74282216-G-C.
Other names: c.1762C>G, p.Pro588Ala (NM_001271697.3); c.1804C>G, p.Pro602Ala (NM_001271698.3); c.1765C>G, p.Pro589Ala (NM_001271699.3); c.1885C>G, p.Pro629Ala (NM_004299.6); short protein forms P588A, P589A, P602A, P628A, P629A.
Identifiers: ClinVar variation 3363962 (VCV003363962.1).
Genomic context (GRCh38, chrX:75,062,381, plus strand): 5'-AACTTACCTCTTCAGTAATCGAATCTAACGATGAAGTAGCTTCATCATAGAGTATGACTG[G>C]GGGGTCCTTCAAAATGGCTCTTGCAATTGCTACTCTTTGCTTTTCTCCTCCTGGTAAAGG-3'
Protein context (NP_001258625.1, residues 618-638): AIARAILKDP[Pro628Ala]VILYDEATSS